The following is an entry in ClinVar:

NM_000303.3(PMM2):c.193G>T (p.Asp65Tyr)

Gene: PMM2 (phosphomannomutase 2; plus strand). Cytogenetic location: 16p13.2.
Variant type: single nucleotide variant.
Coding change: c.193G>T on transcript NM_000303.3 (MANE Select); coding-DNA position 193, G replaced by T.
Protein change: p.Asp65Tyr; replaces aspartic acid 65 with tyrosine.
Molecular consequence: missense variant.
Genome position (GRCh38, 1-based): chr16:8,804,781, G>T. VCF-style: chr16-8804781-G-T. GRCh37 (hg19) VCF-style: chr16-8898638-G-T.
Other names: short protein forms D65Y.
Identifiers: ClinVar variation 7710 (VCV000007710.17), dbSNP rs104894527, ClinGen allele CA254232.

ClinVar aggregate classification (germline): Pathogenic. Review status: criteria provided, multiple submitters, no conflicts (2 of 4 stars). 8 submissions from 8 submitters: Pathogenic (4). 4 of the submissions do not count toward it. Last evaluated 2026-02-23.

Conditions:
PMM2-congenital disorder of glycosylation. Also called: Congenital disorder of glycosylation, type Ia; PHOSPHOMANNOMUTASE 2 DEFICIENCY; CARBOHYDRATE-DEFICIENT GLYCOPROTEIN SYNDROME, TYPE Ia; CDG Ia; JAEKEN SYNDROME; PMM2-CDG. Identifiers: Orphanet 79318, MedGen C0349653, MONDO:0008907, OMIM 212065.

Allele frequency attached by ClinVar (database versions not stated): gnomAD 0.00001; TOPMed 0.00001.
gnomAD v4.1: 2 of 1,612,580 alleles (0.00012%); highest among the groups gnomAD compares: Admixed American, 0.0033%; no homozygotes.

Submissions (8):

Dasa
Classification: Pathogenic. Last evaluated: 2026-02-23. Review status: criteria provided, single submitter. Criteria: DASA Assertion Criteria. Collection method: clinical testing. Allele origin: germline.
Comment: NM_000303.3(PMM2):c.193G>T (p.Asp65Tyr) is a missense variant that results in the substitution of aspartic acid with tyrosine. Functional evidence supports a deleterious effect on the gene or gene product (PMID: 21541725; PMID: 17166182; PMID: 24739649; PMID: 9497260; PMID: 16540464). This variant has been recurrently observed in individuals with related phenotype (PMID: 21541725; PMID: 17166182; PMID: 24739649; PMID: 9497260; PMID: 16540464). Multiple computational predictions support a deleterious effect on the gene or gene product. The variant is present at low frequency in population datasets. Based on the available data, this variant is classified as pathogenic.

Natera, Inc.
Classification: Pathogenic for Congenital disorder of glycosylation type 1a. Last evaluated: 2025-05-15. Review status: criteria provided, single submitter. Criteria: Natera Variant Classification Schema (03/2026). Collection method: clinical testing. Allele origin: germline.
Comment: The c.193G>T variant in PMM2 is a missense variant predicted to cause substitution of aspartic acid to tyrosine at amino acid 65. This variant is rare in the general population with a frequency below the threshold expected for the associated phenotype(s). This variant has been observed in one or more individuals affected with the associated recessive disease, as either homozygous or compound heterozygous with a second variant (PMID: 17166182). Computational prediction algorithms indicate this variant is likely to affect gene or protein function. Given the available evidence, this variant is classified as Pathogenic.

Labcorp Genetics (formerly Invitae), Labcorp
Classification: Pathogenic for PMM2-congenital disorder of glycosylation. Last evaluated: 2023-08-22. Review status: criteria provided, single submitter. Criteria: Invitae Variant Classification Sherloc (09022015). Collection method: clinical testing. Allele origin: germline.
Comment: This missense change has been observed in individual(s) with PMM2-related congenital disorders of glycosylation (PMID: 9497260, 16376131, 21541725, 24739649). For these reasons, this variant has been classified as Pathogenic. Algorithms developed to predict the effect of sequence changes on RNA splicing suggest that this variant may disrupt the consensus splice site. Advanced modeling of protein sequence and biophysical properties (such as structural, functional, and spatial information, amino acid conservation, physicochemical variation, residue mobility, and thermodynamic stability) performed at Invitae indicates that this missense variant is expected to disrupt PMM2 protein function. ClinVar contains an entry for this variant (Variation ID: 7710). This variant is not present in population databases (gnomAD no frequency). This sequence change replaces aspartic acid, which is acidic and polar, with tyrosine, which is neutral and polar, at codon 65 of the PMM2 protein (p.Asp65Tyr).

Mendelics
Classification: Pathogenic for PMM2-congenital disorder of glycosylation. Last evaluated: 2019-05-28. Review status: criteria provided, single submitter. Criteria: Mendelics Assertion Criteria 2017. Collection method: clinical testing. Allele origin: unknown.

Counsyl
Classification: Pathogenic for PMM2-congenital disorder of glycosylation. Last evaluated: 2017-12-05. Review status: no assertion criteria provided. Collection method: clinical testing. Allele origin: unknown. Not counted in ClinVar's aggregate classification.

OMIM
Classification: Pathogenic for CONGENITAL DISORDER OF GLYCOSYLATION, TYPE Ia. Last evaluated: 2007-05-01. Review status: no assertion criteria provided. Collection method: literature only. Allele origin: germline. Not counted in ClinVar's aggregate classification.

Diagnostic Laboratory, Department of Genetics, University Medical Center Groningen
Classification: Pathogenic. Review status: no assertion criteria provided. Collection method: clinical testing. Allele origin: germline. Affected: yes. Study: VKGL Data-share Consensus. Not counted in ClinVar's aggregate classification.

Genome Diagnostics Laboratory, Amsterdam University Medical Center
Classification: Pathogenic. Review status: no assertion criteria provided. Collection method: clinical testing. Allele origin: germline. Affected: yes. Study: VKGL Data-share Consensus. Not counted in ClinVar's aggregate classification.

Literature cited by the submitters: PubMed 21541725 (cited by 3 submitters); PubMed 17166182 (cited by 4 submitters); PubMed 24739649 (cited by Dasa and Labcorp Genetics (formerly Invitae), Labcorp); PubMed 9497260 (cited by 4 submitters); PubMed 16540464 (cited by Dasa and Counsyl); PubMed 16376131 (cited by Labcorp Genetics (formerly Invitae), Labcorp and Counsyl); PubMed 15844218 (cited by Counsyl); PubMed 10386614 (cited by Counsyl); PubMed 12705494 (cited by Counsyl).